The following is an entry in ClinVar:

NM_014679.5(CEP57):c.1220G>A (p.Arg407Lys)

Gene: CEP57 (centrosomal protein 57; plus strand). Cytogenetic location: 11q21.
Variant type: single nucleotide variant.
Coding change: c.1220G>A on transcript NM_014679.5 (MANE Select); coding-DNA position 1220, G replaced by A.
Protein change: p.Arg407Lys; replaces arginine 407 with lysine.
Molecular consequence: missense variant.
Genome position (GRCh38, 1-based): chr11:95,829,279, G>A. VCF-style: chr11-95829279-G-A. GRCh37 (hg19) VCF-style: chr11-95562443-G-A.
Other names: c.1193G>A, p.Arg398Lys (NM_001243776.2); c.1142G>A, p.Arg381Lys (NM_001243777.2); c.1139G>A, p.Arg380Lys (NM_001363604.2); short protein forms R380K, R381K, R398K, R407K.
Identifiers: ClinVar variation 1008166 (VCV001008166.8), dbSNP rs1862894107, ClinGen allele CA382408887.
Genomic context (GRCh38, chr11:95,829,279, plus strand): 5'-AGTCGCCAACCGTTGAACTGAAAGACAAGTTGGAGTGTGAATTGGAGGCATTAGTGGGAA[G>A]GATGGAAGCAAAAGCCAACCAAATAACTAAAGTTCGAAAATACCAAGCCCAGGTAACTCA-3'
Protein context (NP_055494.2, residues 397-417): LECELEALVG[Arg407Lys]MEAKANQITK

ClinVar aggregate classification (germline): Uncertain significance (1 of 4 stars; one submission).

Conditions:
Mosaic variegated aneuploidy syndrome 2 (MVA2). Identifiers: Orphanet 1052, MedGen C3279843, MONDO:0013582, OMIM 614114.

Submission:

Labcorp Genetics (formerly Invitae), Labcorp
Classification: Uncertain significance for Mosaic variegated aneuploidy syndrome 2. Last evaluated: 2020-07-21. Review status: criteria provided, single submitter. Criteria: Invitae Variant Classification Sherloc (09022015). Collection method: clinical testing. Allele origin: germline.
Comment: In summary, the available evidence is currently insufficient to determine the role of this variant in disease. Therefore, it has been classified as a Variant of Uncertain Significance. Algorithms developed to predict the effect of missense changes on protein structure and function output the following: SIFT: "Tolerated"; PolyPhen-2: "Benign"; Align-GVGD: "Class C0". The lysine amino acid residue is found in multiple mammalian species, suggesting that this missense change does not adversely affect protein function. These predictions have not been confirmed by published functional studies and their clinical significance is uncertain. This variant has not been reported in the literature in individuals with CEP57-related conditions. This variant is not present in population databases (ExAC no frequency). This sequence change replaces arginine with lysine at codon 407 of the CEP57 protein (p.Arg407Lys). The arginine residue is highly conserved and there is a small physicochemical difference between arginine and lysine.